The following is an entry in ClinVar:

ClinVar aggregate classification (germline): Uncertain significance (1 of 4 stars; one submission).

Allele frequency attached by ClinVar (database versions not stated): TOPMed 0.00002; ESP Exome Variant Server 0.00008.

Submission:

Labcorp Genetics (formerly Invitae), Labcorp
Classification: Uncertain significance. Last evaluated: 2021-09-17. Review status: criteria provided, single submitter. Criteria: Invitae Variant Classification Sherloc (09022015). Collection method: clinical testing. Allele origin: germline.
Comment: This sequence change replaces valine with isoleucine at codon 7 of the EYS protein (p.Val7Ile). The valine residue is weakly conserved and there is a small physicochemical difference between valine and isoleucine. This variant is not present in population databases (ExAC no frequency). This variant has not been reported in the literature in individuals affected with EYS-related conditions. Algorithms developed to predict the effect of missense changes on protein structure and function output the following: SIFT: "Tolerated"; PolyPhen-2: "Benign"; Align-GVGD: "Class C0". The isoleucine amino acid residue is found in multiple mammalian species, which suggests that this missense change does not adversely affect protein function. In summary, the available evidence is currently insufficient to determine the role of this variant in disease. Therefore, it has been classified as a Variant of Uncertain Significance.

NM_001142800.2(EYS):c.19G>A (p.Val7Ile)

Gene: EYS (eyes shut homolog; minus strand). Cytogenetic location: 6q12.
Variant type: single nucleotide variant.
Coding change: c.19G>A on transcript NM_001142800.2 (MANE Select); coding-DNA position 19, G replaced by A.
Protein change: p.Val7Ile; replaces valine 7 with isoleucine.
Molecular consequence: missense variant.
Genome position (GRCh38, 1-based): chr6:65,495,392, C>T on the plus strand (G>A on the coding strand, the complement: EYS is on the minus strand). VCF-style: chr6-65495392-C-T. GRCh37 (hg19) VCF-style: chr6-66205285-C-T.
Other names: c.19G>A, p.Val7Ile (NM_001142801.2, NM_001292009.2, NM_198283.2); short protein forms V7I.
Identifiers: ClinVar variation 2163247 (VCV002163247.1), dbSNP rs377622148, ClinGen allele CA140434994.